The following is an entry in ClinVar:

NM_003060.4(SLC22A5):c.1055T>G (p.Met352Arg)

Gene: SLC22A5 (solute carrier family 22 member 5; plus strand). Cytogenetic location: 5q31.1.
Variant type: single nucleotide variant.
Coding change: c.1055T>G on transcript NM_003060.4 (MANE Select); coding-DNA position 1055, T replaced by G.
Protein change: p.Met352Arg; replaces methionine 352 with arginine.
Molecular consequence: missense variant.
Genome position (GRCh38, 1-based): chr5:132,390,692, T>G. VCF-style: chr5-132390692-T-G. GRCh37 (hg19) VCF-style: chr5-131726384-T-G.
Other names: c.1127T>G, p.Met376Arg (NM_001308122.2); short protein forms M376R, M352R.
Identifiers: ClinVar variation 658296 (VCV000658296.10), dbSNP rs1275349783, ClinGen allele CA360807363.
Genomic context (GRCh38, chr5:132,390,692, plus strand): 5'-ACAGGTTGGGAAAGATGTGGATACTGCTTTTCCAGCTTTCTTCTGCACTCTGTTTCAGGA[T>G]GACCATATCAGTGGGCTATTTTGGGCTTTCGCTTGATACTCCTAACTTGCATGGGGACAT-3'
Protein context (NP_003051.1, residues 342-362): MVTIMSIMLW[Met352Arg]TISVGYFGLS

ClinVar aggregate classification (germline): Uncertain significance. Review status: criteria provided, multiple submitters, no conflicts (2 of 4 stars). 3 submissions from 3 submitters: Uncertain significance (2). 1 of the submissions does not count toward it. Last evaluated 2023-11-27.

Conditions:
Renal carnitine transport defect (CDSP). Also called: Carnitine transporter deficiency; Carnitine Deficiency, Systemic; Systemic primary carnitine deficiency disease; Primary carnitine deficiency; CARNITINE DEFICIENCY, SYSTEMIC, DUE TO DEFECT IN RENAL REABSORPTION OF CARNITINE; CARNITINE TRANSPORTER, PLASMA-MEMBRANE, DEFICIENCY OF. Identifiers: Orphanet 158, MedGen C0342788, MONDO:0008919, OMIM 212140.

Allele frequency attached by ClinVar (database versions not stated): gnomAD 0.00001; TOPMed 0.00001.
gnomAD v4.1: 1 of 1,611,608 alleles (0.000062%); highest among the groups gnomAD compares: African/African-American, 0.0013%; no homozygotes.

Submissions (3):

GeneDx
Classification: Uncertain significance. Last evaluated: 2023-11-27. Review status: criteria provided, single submitter. Criteria: GeneDx Variant Classification Process June 2021. Collection method: clinical testing. Allele origin: germline. Affected: yes.
Comment: Published in vitro studies suggest a damaging on protein function (PMID: 10454528); In silico analysis supports that this missense variant has a deleterious effect on protein structure/function; Not observed at significant frequency in large population cohorts (gnomAD); This variant is associated with the following publications: (PMID: 29659532, 27320645, 10454528)

Labcorp Genetics (formerly Invitae), Labcorp
Classification: Uncertain significance for Renal carnitine transport defect. Last evaluated: 2023-04-12. Review status: criteria provided, single submitter. Criteria: Invitae Variant Classification Sherloc (09022015). Collection method: clinical testing. Allele origin: germline.
Comment: An algorithm developed to predict the effect of missense changes on protein structure and function (PolyPhen-2) suggests that this variant¬† is likely to be tolerated. In summary, the available evidence is currently insufficient to determine the role of this variant in disease. Therefore, it has been classified as a Variant of Uncertain Significance. Experimental studies have shown that this missense change affects SLC22A5 function (PMID: 10454528, 10559218). ClinVar contains an entry for this variant (Variation ID: 658296). This variant has not been reported in the literature in individuals affected with SLC22A5-related conditions. This variant is not present in population databases (gnomAD no frequency). This sequence change replaces methionine, which is neutral and non-polar, with arginine, which is basic and polar, at codon 352 of the SLC22A5 protein (p.Met352Arg).

Natera, Inc.
Classification: Uncertain significance for Primary systemic carnitine deficiency. Last evaluated: 2020-09-16. Review status: no assertion criteria provided. Collection method: clinical testing. Allele origin: germline. Not counted in ClinVar's aggregate classification.

Literature cited by the submitters: PubMed 10454528 (cited by Labcorp Genetics (formerly Invitae), Labcorp); PubMed 10559218 (cited by Labcorp Genetics (formerly Invitae), Labcorp).